The following is an entry in ClinVar:

ClinVar aggregate classification (germline): Uncertain significance (1 of 4 stars; one submission).

Conditions:
Treacher Collins syndrome 1 (TCS1). Also called: TCOF1-Related Treacher Collins Syndrome. Identifiers: Orphanet 861, MedGen CN315775, MONDO:0007944, OMIM 154500.

gnomAD v4.1: 1 of 1,614,212 alleles (0.000062%); highest among the groups gnomAD compares: Admixed American, 0.0017%; no homozygotes.

Submission:

Labcorp Genetics (formerly Invitae), Labcorp
Classification: Uncertain significance for Treacher Collins syndrome 1. Last evaluated: 2024-08-06. Review status: criteria provided, single submitter. Criteria: Invitae Variant Classification Sherloc (09022015). Collection method: clinical testing. Allele origin: germline.
Comment: This sequence change replaces lysine, which is basic and polar, with methionine, which is neutral and non-polar, at codon 586 of the TCOF1 protein (p.Lys586Met). This variant is present in population databases (no rsID available, gnomAD 0.003%). This variant has not been reported in the literature in individuals affected with TCOF1-related conditions. Advanced modeling of protein sequence and biophysical properties (such as structural, functional, and spatial information, amino acid conservation, physicochemical variation, residue mobility, and thermodynamic stability) performed at Invitae indicates that this missense variant is not expected to disrupt TCOF1 protein function with a negative predictive value of 80%. In summary, the available evidence is currently insufficient to determine the role of this variant in disease. Therefore, it has been classified as a Variant of Uncertain Significance.

NM_001371623.1(TCOF1):c.1757A>T (p.Lys586Met)

Gene: TCOF1 (treacle ribosome biogenesis factor 1; plus strand). Cytogenetic location: 5q32.
Variant type: single nucleotide variant.
Coding change: c.1757A>T on transcript NM_001371623.1 (MANE Select); coding-DNA position 1757, A replaced by T.
Protein change: p.Lys586Met; replaces lysine 586 with methionine.
Molecular consequence: missense variant.
Genome position (GRCh38, 1-based): chr5:150,375,773, A>T. VCF-style: chr5-150375773-A-T. GRCh37 (hg19) VCF-style: chr5-149755336-A-T.
Other names: c.1526A>T, p.Lys509Met (NM_000356.4, NM_001135245.2); c.1757A>T, p.Lys586Met (NM_001008657.3, NM_001135243.2, NM_001135244.2 and 1 more transcripts); short protein forms K586M, K509M.
Identifiers: ClinVar variation 3698595 (VCV003698595.2).